The following is an entry in ClinVar:

ClinVar aggregate classification (germline): Uncertain significance (1 of 4 stars; one submission).

Conditions:
Primary ciliary dyskinesia. Also called: Ciliary dyskinesia. Identifiers: Orphanet 244, MedGen C0008780, MONDO:0016575, HP:0012265.

Allele frequency attached by ClinVar (database versions not stated): gnomAD 0.00001; gnomAD exomes 0.00001; TOPMed 0.00002; ExAC 0.00003.
gnomAD v4.1: 13 of 1,612,246 alleles (0.00081%); highest among the groups gnomAD compares: Admixed American, 0.0033%; no homozygotes.

Submission:

Labcorp Genetics (formerly Invitae), Labcorp
Classification: Uncertain significance for Primary ciliary dyskinesia. Last evaluated: 2021-08-31. Review status: criteria provided, single submitter. Criteria: Invitae Variant Classification Sherloc (09022015). Collection method: clinical testing. Allele origin: germline.
Comment: This sequence change replaces arginine with glutamine at codon 515 of the DNAI2 protein (p.Arg515Gln). The arginine residue is highly conserved and there is a small physicochemical difference between arginine and glutamine. This variant is present in population databases (rs769115235, ExAC 0.005%). This variant has not been reported in the literature in individuals affected with DNAI2-related conditions. Algorithms developed to predict the effect of missense changes on protein structure and function are either unavailable or do not agree on the potential impact of this missense change (SIFT: "Deleterious"; PolyPhen-2: "Possibly Damaging"; Align-GVGD: "Class C0"). In summary, the available evidence is currently insufficient to determine the role of this variant in disease. Therefore, it has been classified as a Variant of Uncertain Significance.

NM_023036.6(DNAI2):c.1544G>A (p.Arg515Gln)

Gene: DNAI2 (dynein axonemal intermediate chain 2; plus strand). Cytogenetic location: 17q25.1.
Variant type: single nucleotide variant.
Coding change: c.1544G>A on transcript NM_023036.6 (MANE Select); coding-DNA position 1544, G replaced by A.
Protein change: p.Arg515Gln; replaces arginine 515 with glutamine.
Molecular consequence: missense variant. On other transcripts: non-coding transcript variant (1).
Genome position (GRCh38, 1-based): chr17:74,312,052, G>A. VCF-style: chr17-74312052-G-A. GRCh37 (hg19) VCF-style: chr17-72308191-G-A.
Other names: c.1508G>A, p.Arg503Gln (NM_001172810.3); c.1544G>A, p.Arg515Gln (NM_001353167.2); short protein forms R503Q, R515Q.
Identifiers: ClinVar variation 1919111 (VCV001919111.2), dbSNP rs769115235, ClinGen allele CA8745828.